The following is an entry in ClinVar:

ClinVar aggregate classification (germline): Uncertain significance. Review status: criteria provided, multiple submitters, no conflicts (2 of 4 stars). 7 submissions from 7 submitters: Uncertain significance (7). Last evaluated 2026-04-08.

Conditions:
Hereditary cancer-predisposing syndrome. Also called: Hereditary neoplastic syndrome; Hereditary Cancer Syndrome; Neoplastic Syndromes, Hereditary; Tumor predisposition. Identifiers: Orphanet 140162, MedGen C0027672, MeSH D009386, MONDO:0015356.
Familial meningioma. Also called: Meningioma, familial, susceptibility to. Identifiers: Orphanet 263662, MedGen C3551915, MONDO:0011789, OMIM 607174.
Neurofibromatosis, type 2 (SWNV). Also called: SCHWANNOMATOSIS, VESTIBULAR; BILATERAL ACOUSTIC NEUROFIBROMATOSIS; NF2-Related Schwannomatosis. Identifiers: Orphanet 637, MedGen C0027832, MONDO:0007039, OMIM 101000. Disease mechanism: loss of function.
NF2-related disorder. Also called: NF2-related condition.

Allele frequency attached by ClinVar (database versions not stated): TOPMed 0.00001.
gnomAD v4.1: 13 of 1,614,066 alleles (0.00081%); highest among the groups gnomAD compares: Admixed American, 0.0033%; no homozygotes.

Submissions (7):

PreventionGenetics, part of Exact Sciences
Classification: Uncertain significance for NF2-related condition. Last evaluated: 2026-04-08. Review status: criteria provided, single submitter. Criteria: ACMG Guidelines, 2015. Collection method: clinical testing. Allele origin: germline.
Comment: The NF2 c.1022G>A variant is predicted to result in the amino acid substitution p.Arg341Gln. To our knowledge, this variant has not been reported in the literature. This variant is reported in 0.0054% of alleles in individuals of East Asian descent in gnomAD. At this time, the clinical significance of this variant is uncertain due to the absence of conclusive functional and genetic evidence.

Ambry Genetics
Classification: Uncertain significance for Hereditary cancer-predisposing syndrome. Last evaluated: 2025-10-22. Review status: criteria provided, single submitter. Criteria: Ambry Variant Classification Scheme 2023. Collection method: clinical testing. Allele origin: germline.
Comment: The p.R341Q variant (also known as c.1022G>A), located in coding exon 11 of the NF2 gene, results from a G to A substitution at nucleotide position 1022. The arginine at codon 341 is replaced by glutamine, an amino acid with highly similar properties. This amino acid position is highly conserved in available vertebrate species. In addition, the in silico prediction for this alteration is inconclusive. Since supporting evidence is limited at this time, the clinical significance of this alteration remains unclear.

Labcorp Genetics (formerly Invitae), Labcorp
Classification: Uncertain significance for Neurofibromatosis, type 2. Last evaluated: 2025-10-10. Review status: criteria provided, single submitter. Criteria: Invitae Variant Classification Sherloc (09022015). Collection method: clinical testing. Allele origin: germline.
Comment: This sequence change replaces arginine, which is basic and polar, with glutamine, which is neutral and polar, at codon 341 of the NF2 protein (p.Arg341Gln). This variant is present in population databases (rs754087071, gnomAD 0.003%). This variant has not been reported in the literature in individuals affected with NF2-related conditions. ClinVar contains an entry for this variant (Variation ID: 527694). Invitae Evidence Modeling of protein sequence and biophysical properties (such as structural, functional, and spatial information, amino acid conservation, physicochemical variation, residue mobility, and thermodynamic stability) indicates that this missense variant is not expected to disrupt NF2 protein function with a negative predictive value of 80%. In summary, the available evidence is currently insufficient to determine the role of this variant in disease. Therefore, it has been classified as a Variant of Uncertain Significance.

Color Diagnostics, LLC DBA Color Health
Classification: Uncertain significance for Neurofibromatosis, type 2. Last evaluated: 2024-05-21. Review status: criteria provided, single submitter. Criteria: ACMG Guidelines, 2015. Collection method: clinical testing. Allele origin: germline.
Comment: This missense variant replaces arginine with glutamine at codon 341 of the NF2 protein. Computational prediction suggests that this variant may not impact protein structure and function. To our knowledge, functional studies have not been reported for this variant. This variant has not been reported in individuals affected with NF2-related disorders in the literature. This variant has been identified in 2/251430 chromosomes in the general population by the Genome Aggregation Database (gnomAD). The available evidence is insufficient to determine the role of this variant in disease conclusively. Therefore, this variant is classified as a Variant of Uncertain Significance.

Baylor Genetics
Classification: Uncertain significance for Familial meningioma. Last evaluated: 2024-03-13. Review status: criteria provided, single submitter. Criteria: ACMG Guidelines, 2015. Collection method: clinical testing. Allele origin: unknown.

All of Us Research Program, National Institutes of Health
Classification: Uncertain significance for Neurofibromatosis, type 2. Last evaluated: 2023-12-01. Review status: criteria provided, single submitter. Criteria: ACMG Guidelines, 2015. Collection method: clinical testing. Allele origin: germline. Inheritance: Autosomal dominant inheritance. Observed: 2 variant alleles, 2 heterozygotes.
Comment: This study involves interpretation of variants in research participants for the purpose of population health screening. Participant phenotype was not available at the time of variant classification. Additional details can be found in publication PMID: 35346344, PMCID: PMC8962531

Genome-Nilou Lab
Classification: Uncertain significance for Neurofibromatosis, type 2. Last evaluated: 2021-11-07. Review status: criteria provided, single submitter. Criteria: ACMG Guidelines, 2015. Collection method: clinical testing. Allele origin: germline. Affected: no.

NM_000268.4(NF2):c.1022G>A (p.Arg341Gln)

Gene: NF2 (NF2, moesin-ezrin-radixin like (MERLIN) tumor suppressor; plus strand). Cytogenetic location: 22q12.2.
Variant type: single nucleotide variant.
Coding change: c.1022G>A on transcript NM_000268.4 (MANE Select); coding-DNA position 1022, G replaced by A.
Protein change: p.Arg341Gln; replaces arginine 341 with glutamine.
Molecular consequence: missense variant. On other transcripts: non-coding transcript variant (1), intron variant (1).
Genome position (GRCh38, 1-based): chr22:29,671,848, G>A. VCF-style: chr22-29671848-G-A. GRCh37 (hg19) VCF-style: chr22-30067837-G-A.
Other names: c.1022G>A (NM_181832.2); c.1022G>A, p.Arg341Gln (NM_016418.5, NM_181825.3, NM_181832.3); c.896G>A, p.Arg299Gln (NM_181828.3); c.899G>A, p.Arg300Gln (NM_181829.3); c.773G>A, p.Arg258Gln (NM_181830.3, NM_181831.3); c.448-22904G>A (NM_181833.3); short protein forms R341Q, R258Q, R300Q, R299Q.
Identifiers: ClinVar variation 527694 (VCV000527694.20), dbSNP rs754087071, ClinGen allele CA036631.